The following is an entry in ClinVar:

ClinVar aggregate classification (germline): Pathogenic (1 of 4 stars; one submission).

Conditions:
Primary ciliary dyskinesia. Also called: Ciliary dyskinesia. Identifiers: Orphanet 244, MedGen C0008780, MONDO:0016575, HP:0012265.

Submission:

Labcorp Genetics (formerly Invitae), Labcorp
Classification: Pathogenic for Primary ciliary dyskinesia. Last evaluated: 2025-04-20. Review status: criteria provided, single submitter. Criteria: Invitae Variant Classification Sherloc (09022015). Collection method: clinical testing. Allele origin: germline.
Comment: This sequence change creates a premature translational stop signal (p.Pro115Argfs*52) in the CCDC40 gene. It is expected to result in an absent or disrupted protein product. Loss-of-function variants in CCDC40 are known to be pathogenic (PMID: 21131974, 22693285, 23255504). This variant is present in population databases (rs766587573, gnomAD 0.0009%). This premature translational stop signal has been observed in individual(s) with primary ciliary dyskinesia (PMID: 22693285). For these reasons, this variant has been classified as Pathogenic.

Literature cited by the submitters: PubMed 21131974; PubMed 22693285; PubMed 23255504.

NM_017950.4(CCDC40):c.344del (p.Pro115fs)

Gene: CCDC40 (coiled-coil domain 40 molecular ruler complex subunit; plus strand). Cytogenetic location: 17q25.3.
Variant type: Deletion.
Coding change: c.344del on transcript NM_017950.4 (MANE Select); coding-DNA position 344, one base deleted (C; older notation c.344delC).
Protein change: p.Pro115fs; shifts the reading frame from proline 115.
Molecular consequence: frameshift variant.
Genome position (GRCh38, 1-based): chr17:80,040,062, C deleted; the last of 3 consecutive C bases (chr17:80,040,060-80,040,062); deleting any one gives the same sequence. VCF-style (leftmost placement, unchanged base first): chr17-80040059-AC-A. GRCh37 (hg19) VCF-style: chr17-78013858-AC-A.
Other names: c.344del, p.Pro115fs (NM_001243342.2, NM_001330508.2); short protein forms P115fs.
Identifiers: ClinVar variation 4797800 (VCV004797800.1).